The following is an entry in ClinVar:

NM_001035.3(RYR2):c.9215T>C (p.Met3072Thr)

Gene: RYR2 (ryanodine receptor 2; plus strand). Cytogenetic location: 1q43.
Variant type: single nucleotide variant.
Coding change: c.9215T>C on transcript NM_001035.3 (MANE Select); coding-DNA position 9215, T replaced by C.
Protein change: p.Met3072Thr; replaces methionine 3072 with threonine.
Molecular consequence: missense variant.
Genome position (GRCh38, 1-based): chr1:237,700,315, T>C. VCF-style: chr1-237700315-T-C. GRCh37 (hg19) VCF-style: chr1-237863615-T-C.
Other names: c.9215T>C (NM_001035.2); short protein forms M3072T.
Identifiers: ClinVar variation 1425073 (VCV001425073.10), dbSNP rs2149031471, ClinGen allele CA345405692.

ClinVar aggregate classification (germline): Uncertain significance. Review status: criteria provided, multiple submitters, no conflicts (2 of 4 stars). 2 submissions from 2 submitters: Uncertain significance (2). Last evaluated 2025-03-18.

Conditions:
Catecholaminergic polymorphic ventricular tachycardia 1. Also called: VENTRICULAR TACHYCARDIA, CATECHOLAMINERGIC POLYMORPHIC, 1, WITH OR WITHOUT ATRIAL DYSFUNCTION AND/OR DILATED CARDIOMYOPATHY; RYR2-Related Catecholaminergic Polymorphic Ventricular Tachycardia; VENTRICULAR TACHYCARDIA, STRESS-INDUCED POLYMORPHIC 1. Identifiers: Orphanet 3286, MedGen C1631597, MONDO:0011484, OMIM 604772.

Submissions (2):

GeneDx
Classification: Uncertain significance. Last evaluated: 2025-03-18. Review status: criteria provided, single submitter. Criteria: GeneDx Variant Classification Process June 2021. Collection method: clinical testing. Allele origin: germline. Affected: yes.
Comment: Not observed at significant frequency in large population cohorts (gnomAD); In silico analysis indicates that this missense variant does not alter protein structure/function; Has not been previously published as pathogenic or benign to our knowledge; Not located in one of the three hot-spot regions of the RYR2 gene, where the majority of pathogenic missense variants occur (PMID: 19926015); This variant is associated with the following publications: (PMID: 19926015)

Labcorp Genetics (formerly Invitae), Labcorp
Classification: Uncertain significance for Catecholaminergic polymorphic ventricular tachycardia 1. Last evaluated: 2022-07-22. Review status: criteria provided, single submitter. Criteria: Invitae Variant Classification Sherloc (09022015). Collection method: clinical testing. Allele origin: germline.
Comment: In summary, the available evidence is currently insufficient to determine the role of this variant in disease. Therefore, it has been classified as a Variant of Uncertain Significance. Advanced modeling of protein sequence and biophysical properties (such as structural, functional, and spatial information, amino acid conservation, physicochemical variation, residue mobility, and thermodynamic stability) performed at Invitae indicates that this missense variant is not expected to disrupt RYR2 protein function. ClinVar contains an entry for this variant (Variation ID: 1425073). This variant has not been reported in the literature in individuals affected with RYR2-related conditions. This variant is not present in population databases (gnomAD no frequency). This sequence change replaces methionine, which is neutral and non-polar, with threonine, which is neutral and polar, at codon 3072 of the RYR2 protein (p.Met3072Thr).